The following is an entry in ClinVar:

NM_031483.7(ITCH):c.238C>T (p.His80Tyr)

Gene: ITCH (itchy E3 ubiquitin protein ligase; plus strand). Cytogenetic location: 20q11.22.
Variant type: single nucleotide variant.
Coding change: c.238C>T on transcript NM_031483.7 (MANE Select); coding-DNA position 238, C replaced by T.
Protein change: p.His80Tyr; replaces histidine 80 with tyrosine.
Molecular consequence: missense variant. On other transcripts: 5 prime UTR variant (1).
Genome position (GRCh38, 1-based): chr20:34,412,540, C>T. VCF-style: chr20-34412540-C-T. GRCh37 (hg19) VCF-style: chr20-33000346-C-T.
Other names: c.238C>T, p.His80Tyr (NM_001257137.3, NM_001324197.2, NM_001324198.2); c.-93C>T (NM_001257138.3); short protein forms H80Y.
Identifiers: ClinVar variation 1040061 (VCV001040061.8), dbSNP rs564964052, ClinGen allele CA313407659.

ClinVar aggregate classification (germline): Uncertain significance (1 of 4 stars; one submission).

Conditions:
Syndromic multisystem autoimmune disease due to ITCH deficiency. Also called: AUTOIMMUNE DISEASE, MULTISYSTEM, WITH FACIAL DYSMORPHISM. Identifiers: Orphanet 228426, MedGen C3150649, MONDO:0013245, OMIM 613385.

Allele frequency attached by ClinVar (database versions not stated): gnomAD exomes 0.00001; TOPMed 0.00001; gnomAD 0.00002.
gnomAD v4.1: 22 of 1,601,764 alleles (0.0014%); highest among the groups gnomAD compares: East Asian, 0.0022%; no homozygotes.

Submission:

Labcorp Genetics (formerly Invitae), Labcorp
Classification: Uncertain significance for Syndromic multisystem autoimmune disease due to ITCH deficiency. Last evaluated: 2024-10-16. Review status: criteria provided, single submitter. Criteria: Invitae Variant Classification Sherloc (09022015). Collection method: clinical testing. Allele origin: germline.
Comment: This sequence change replaces histidine, which is basic and polar, with tyrosine, which is neutral and polar, at codon 80 of the ITCH protein (p.His80Tyr). This variant is present in population databases (rs564964052, gnomAD 0.007%). This variant has not been reported in the literature in individuals affected with ITCH-related conditions. ClinVar contains an entry for this variant (Variation ID: 1040061). An algorithm developed to predict the effect of missense changes on protein structure and function (PolyPhen-2) suggests that this variant is likely to be tolerated. In summary, the available evidence is currently insufficient to determine the role of this variant in disease. Therefore, it has been classified as a Variant of Uncertain Significance.